The following is an entry in ClinVar:

NM_003797.5(EED):c.11G>A (p.Arg4Lys)

Gene: EED (embryonic ectoderm development; plus strand). Cytogenetic location: 11q14.2.
Variant type: single nucleotide variant.
Coding change: c.11G>A on transcript NM_003797.5 (MANE Select); coding-DNA position 11, G replaced by A.
Protein change: p.Arg4Lys; replaces arginine 4 with lysine.
Molecular consequence: missense variant.
Genome position (GRCh38, 1-based): chr11:86,245,240, G>A. VCF-style: chr11-86245240-G-A. GRCh37 (hg19) VCF-style: chr11-85956282-G-A.
Other names: c.11G>A, p.Arg4Lys (NM_001308007.2, NM_001330334.2); short protein forms R4K.
Identifiers: ClinVar variation 1011488 (VCV001011488.8), dbSNP rs766472086, ClinGen allele CA382061035.

ClinVar aggregate classification (germline): Uncertain significance (1 of 4 stars; one submission).

Conditions:
Cohen-Gibson syndrome (COGIS). Also called: EED-Related Overgrowth. Identifiers: Orphanet 659396, MedGen C4479654, MONDO:0060510, OMIM 617561.

gnomAD v4.1: 7 of 1,613,290 alleles (0.00043%); highest among the groups gnomAD compares: South Asian, 0.0033%; no homozygotes.

Submission:

Labcorp Genetics (formerly Invitae), Labcorp
Classification: Uncertain significance for Cohen-Gibson syndrome. Last evaluated: 2020-03-23. Review status: criteria provided, single submitter. Criteria: Invitae Variant Classification Sherloc (09022015). Collection method: clinical testing. Allele origin: germline.
Comment: This variant has not been reported in the literature in individuals with EED-related conditions. In summary, the available evidence is currently insufficient to determine the role of this variant in disease. Therefore, it has been classified as a Variant of Uncertain Significance. Algorithms developed to predict the effect of missense changes on protein structure and function (SIFT, PolyPhen-2, Align-GVGD) all suggest that this variant is likely to be tolerated, but these predictions have not been confirmed by published functional studies and their clinical significance is uncertain. This variant is not present in population databases (ExAC no frequency). This sequence change replaces arginine with lysine at codon 4 of the EED protein (p.Arg4Lys). The arginine residue is weakly conserved and there is a small physicochemical difference between arginine and lysine.